The following is an entry in ClinVar:

ClinVar aggregate classification (germline): Pathogenic. Review status: reviewed by expert panel (3 of 4 stars). 3 submissions from 3 submitters: Pathogenic (1). 2 of the submissions do not count toward it. Last evaluated 2016-10-18.

Conditions:
Breast-ovarian cancer, familial, susceptibility to, 2 (BROVCA2). Also called: BRCA2 Hereditary Breast and Ovarian Cancer. Identifiers: Orphanet 145, MedGen C2675520, MONDO:0012933, OMIM 612555. Disease mechanism: loss of function.
Hereditary breast ovarian cancer syndrome. Also called: BRCA1- and BRCA2-Associated Hereditary Breast and Ovarian Cancer; Hereditary breast and ovarian cancer; Breast and ovarian cancer; Hereditary breast and/or ovarian cancer syndrome; Hereditary breast and ovarian cancer syndrome; Hereditary breast and ovarian cancer syndrome (HBOC). Identifiers: Orphanet 145, MedGen C0677776, MeSH D061325, MONDO:0003582. Disease mechanism: loss of function.

Submissions (3):

Evidence-based Network for the Interpretation of Germline Mutant Alleles (ENIGMA)
Classification: Pathogenic for Breast-ovarian cancer, familial, susceptibility to, 2. Last evaluated: 2016-10-18. Review status: reviewed by expert panel. Criteria: ENIGMA BRCA1/2 Classification Criteria (2015). Collection method: curation. Allele origin: germline.
Comment: Variant allele predicted to encode a truncated non-functional protein.

Labcorp Genetics (formerly Invitae), Labcorp
Classification: Pathogenic for Hereditary breast ovarian cancer syndrome. Last evaluated: 2018-10-03. Review status: criteria provided, single submitter. Criteria: Invitae Variant Classification Sherloc (09022015). Collection method: clinical testing. Allele origin: germline. Not counted in ClinVar's aggregate classification.
Comment: This sequence change creates a premature translational stop signal (p.Gly2812Alafs*8) in the BRCA2 gene. It is expected to result in an absent or disrupted protein product. This variant is not present in population databases (ExAC no frequency). This variant has been reported in individuals in the Leiden Open-source Variation Database (PMID: 21520333). ClinVar contains an entry for this variant (Variation ID: 267085). Loss-of-function variants in BRCA2 are known to be pathogenic (PMID: 20104584). For these reasons, this variant has been classified as Pathogenic.

Consortium of Investigators of Modifiers of BRCA1/2 (CIMBA), c/o University of Cambridge
Classification: Pathogenic for Breast-ovarian cancer, familial, susceptibility to, 2. Last evaluated: 2015-10-02. Review status: criteria provided, single submitter. Criteria: CIMBA Mutation Classification guidelines May 2016. Collection method: clinical testing. Allele origin: germline. Not counted in ClinVar's aggregate classification.

Literature cited by the submitters: PubMed 21520333 (cited by Labcorp Genetics (formerly Invitae), Labcorp); PubMed 20104584 (cited by Labcorp Genetics (formerly Invitae), Labcorp).

NM_000059.4(BRCA2):c.8434_8435insC (p.Gly2812fs)

Gene: BRCA2 (BRCA2 DNA repair associated; plus strand). Cytogenetic location: 13q13.1.
Variant type: Insertion.
Coding change: c.8434_8435insC on transcript NM_000059.4 (MANE Select); coding-DNA positions 8434 to 8435, C inserted.
Protein change: p.Gly2812fs; shifts the reading frame from glycine 2812.
Molecular consequence: frameshift variant.
Genome position: GRCh38 VCF-style: chr13-32370504-G-GC. GRCh37 (hg19) VCF-style: chr13-32944641-G-GC.
Other names: 8662_8663insC; short protein forms G2812fs.
Identifiers: ClinVar variation 267085 (VCV000267085.12), dbSNP rs886040774, ClinGen allele CA10589496.